The following is an entry in ClinVar:

NM_002334.4(LRP4):c.83G>A (p.Gly28Asp)

Gene: LRP4 (LDL receptor related protein 4; minus strand). Cytogenetic location: 11p11.2.
Variant type: single nucleotide variant.
Coding change: c.83G>A on transcript NM_002334.4 (MANE Select); coding-DNA position 83, G replaced by A.
Protein change: p.Gly28Asp; replaces glycine 28 with aspartic acid.
Molecular consequence: missense variant.
Genome position (GRCh38, 1-based): chr11:46,902,899, C>T on the plus strand (G>A on the coding strand, the complement: LRP4 is on the minus strand). VCF-style: chr11-46902899-C-T. GRCh37 (hg19) VCF-style: chr11-46924450-C-T.
Other names: c.83G>A (NM_002334.3); short protein forms G28D.
Identifiers: ClinVar variation 1437689 (VCV001437689.5), dbSNP rs1183268699, ClinGen allele CA380291330.

ClinVar aggregate classification (germline): Uncertain significance. Review status: criteria provided, multiple submitters, no conflicts (2 of 4 stars). 2 submissions from 2 submitters: Uncertain significance (2). Last evaluated 2023-08-10.

Conditions:
Sclerosteosis 2 (SOST2). Identifiers: Orphanet 3152, MedGen C3280402, MONDO:0013679, OMIM 614305.
Congenital myasthenic syndrome 17. Identifiers: Orphanet 590, MedGen C4225377, MONDO:0014578, OMIM 616304.
Cenani-Lenz syndactyly syndrome. Also called: CENANI SYNDACTYLISM; SYNDACTYLY, TYPE VII. Identifiers: Orphanet 3258, MedGen C1859309, MONDO:0008931, OMIM 212780.
Inborn genetic diseases. Identifiers: MedGen C0950123, MeSH D030342.

Allele frequency attached by ClinVar (database versions not stated): gnomAD exomes below 0.00001.
gnomAD v4.1: 31 of 1,614,120 alleles (0.0019%); highest among the groups gnomAD compares: Non-Finnish European, 0.0025%; no homozygotes.

Submissions (2):

Labcorp Genetics (formerly Invitae), Labcorp
Classification: Uncertain significance for Cenani-Lenz syndactyly syndrome; Sclerosteosis 2; Congenital myasthenic syndrome 17. Last evaluated: 2023-08-10. Review status: criteria provided, single submitter. Criteria: Invitae Variant Classification Sherloc (09022015). Collection method: clinical testing. Allele origin: germline.
Comment: This sequence change replaces glycine, which is neutral and non-polar, with aspartic acid, which is acidic and polar, at codon 28 of the LRP4 protein (p.Gly28Asp). This variant is present in population databases (no rsID available, gnomAD 0.0009%). This variant has not been reported in the literature in individuals affected with LRP4-related conditions. ClinVar contains an entry for this variant (Variation ID: 1437689). An algorithm developed to predict the effect of missense changes on protein structure and function (PolyPhen-2) suggests that this variant¬†is likely to be tolerated. In summary, the available evidence is currently insufficient to determine the role of this variant in disease. Therefore, it has been classified as a Variant of Uncertain Significance.

Ambry Genetics
Classification: Uncertain significance for Inborn genetic diseases. Last evaluated: 2023-03-24. Review status: criteria provided, single submitter. Criteria: Ambry Variant Classification Scheme 2023. Collection method: clinical testing. Allele origin: germline.